The following is an entry in ClinVar:

ClinVar aggregate classification (germline): Uncertain significance (1 of 4 stars; one submission).

Conditions:
Methylmalonic aciduria and homocystinuria type cblF. Also called: VITAMIN B12 LYSOSOMAL RELEASE DEFECT; VITAMIN B12 STORAGE DISEASE; COBALAMIN F DISEASE; COBALAMIN, DEFECT IN LYSOSOMAL RELEASE OF; METHYLMALONIC ACIDEMIA AND HOMOCYSTINURIA, cblF TYPE; METHYLMALONIC ACIDURIA DUE TO VITAMIN B12-RELEASE DEFECT. Identifiers: Orphanet 79284, MedGen C1848578, MONDO:0010183, OMIM 277380.

Submission:

Labcorp Genetics (formerly Invitae), Labcorp
Classification: Uncertain significance for Methylmalonic aciduria and homocystinuria type cblF. Last evaluated: 2024-10-15. Review status: criteria provided, single submitter. Criteria: Invitae Variant Classification Sherloc (09022015). Collection method: clinical testing. Allele origin: germline.
Comment: This sequence change replaces isoleucine, which is neutral and non-polar, with threonine, which is neutral and polar, at codon 342 of the LMBRD1 protein (p.Ile342Thr). This variant is not present in population databases (gnomAD no frequency). This variant has not been reported in the literature in individuals affected with LMBRD1-related conditions. ClinVar contains an entry for this variant (Variation ID: 1506700). Invitae Evidence Modeling of protein sequence and biophysical properties (such as structural, functional, and spatial information, amino acid conservation, physicochemical variation, residue mobility, and thermodynamic stability) indicates that this missense variant is not expected to disrupt LMBRD1 protein function with a negative predictive value of 80%. In summary, the available evidence is currently insufficient to determine the role of this variant in disease. Therefore, it has been classified as a Variant of Uncertain Significance.

NM_018368.4(LMBRD1):c.1025T>C (p.Ile342Thr)

Gene: LMBRD1 (LMBR1 domain containing 1; minus strand). Cytogenetic location: 6q13.
Variant type: single nucleotide variant.
Coding change: c.1025T>C on transcript NM_018368.4 (MANE Select); coding-DNA position 1025, T replaced by C.
Protein change: p.Ile342Thr; replaces isoleucine 342 with threonine.
Molecular consequence: missense variant.
Genome position (GRCh38, 1-based): chr6:69,701,501, A>G on the plus strand (T>C on the coding strand, the complement: LMBRD1 is on the minus strand). VCF-style: chr6-69701501-A-G. GRCh37 (hg19) VCF-style: chr6-70411393-A-G.
Other names: c.806T>C, p.Ile269Thr (NM_001363722.2, NM_001367271.1, NM_001367272.1); short protein forms I269T, I342T.
Identifiers: ClinVar variation 1506700 (VCV001506700.5), dbSNP rs2149844901, ClinGen allele CA364664984.